The following is an entry in ClinVar:

NM_001127496.3(SPRY4):c.37C>A (p.Pro13Thr)

Gene: SPRY4 (sprouty RTK signaling antagonist 4; minus strand). Cytogenetic location: 5q31.3.
Variant type: single nucleotide variant.
Coding change: c.37C>A on transcript NM_001127496.3 (MANE Select); coding-DNA position 37, C replaced by A.
Protein change: p.Pro13Thr; replaces proline 13 with threonine.
Molecular consequence: missense variant.
Genome position (GRCh38, 1-based): chr5:142,315,072, G>T on the plus strand (C>A on the coding strand, the complement: SPRY4 is on the minus strand). VCF-style: chr5-142315072-G-T. GRCh37 (hg19) VCF-style: chr5-141694637-G-T.
Other names: c.37C>A, p.Pro13Thr (NM_001293289.3, NM_001293290.3); c.106C>A, p.Pro36Thr (NM_030964.5); short protein forms P13T, P36T.
Identifiers: ClinVar variation 4687655 (VCV004687655.1).

ClinVar aggregate classification (germline): Uncertain significance (1 of 4 stars; one submission).

gnomAD v4.1: 14 of 1,613,288 alleles (0.00087%); highest among the groups gnomAD compares: African/African-American, 0.017%; no homozygotes.

Submission:

Women's Health and Genetics/Laboratory Corporation of America, LabCorp
Classification: Uncertain significance. Last evaluated: 2025-10-29. Review status: criteria provided, single submitter. Criteria: LabCorp Variant Classification Summary - May 2015. Collection method: clinical testing. Allele origin: germline.
Comment: Variant summary: SPRY4 c.106C>A (p.Pro36Thr) results in a non-conservative amino acid change in the encoded protein sequence. Algorithms developed to predict the effect of missense changes on protein structure and function are either unavailable or do not agree on the potential impact of this missense change. The variant allele was found at a frequency of 1.6e-05 in 246622 control chromosomes. The available data on variant occurrences in the general population are insufficient to allow any conclusion about variant significance. To our knowledge, no occurrence of c.106C>A in individuals affected with SPRY4-related conditions and no experimental evidence demonstrating its impact on protein function have been reported. No submitters have cited clinical-significance assessments for this variant to ClinVar. Based on the evidence outlined above, the variant was classified as uncertain significance.